The following is an entry in ClinVar:

ClinVar aggregate classification (germline): Likely benign. Review status: criteria provided, multiple submitters, no conflicts (2 of 4 stars). 4 submissions from 4 submitters: Likely benign (4). Last evaluated 2025-12-09.

Conditions:
Cardiovascular phenotype. Identifiers: MedGen CN230736.
RASopathy. Also called: Noonan spectrum disorder; rasopathies. Identifiers: Orphanet 536391, MedGen C5555857, MONDO:0021060.

Allele frequency attached by ClinVar (database versions not stated): ExAC 0.00002; gnomAD 0.00002 and 0.00003; TOPMed 0.00002.
gnomAD v4.1: 23 of 1,611,482 alleles (0.0014%); highest among the groups gnomAD compares: East Asian, 0.027%; no homozygotes.

Submissions (4):

Labcorp Genetics (formerly Invitae), Labcorp
Classification: Likely benign for RASopathy. Last evaluated: 2025-12-09. Review status: criteria provided, single submitter. Criteria: Invitae Variant Classification Sherloc (09022015). Collection method: clinical testing. Allele origin: germline.

Blueprint Genetics
Classification: Likely benign. Last evaluated: 2024-02-23. Review status: criteria provided, single submitter. Criteria: ACMG Guidelines, 2015. Collection method: clinical testing. Allele origin: germline.

Ambry Genetics
Classification: Likely benign for Cardiovascular phenotype. Last evaluated: 2022-01-17. Review status: criteria provided, single submitter. Criteria: Ambry Variant Classification Scheme 2023. Collection method: clinical testing. Allele origin: germline.

Women's Health and Genetics/Laboratory Corporation of America, LabCorp
Classification: Likely benign. Last evaluated: 2021-10-10. Review status: criteria provided, single submitter. Criteria: LabCorp Variant Classification Summary - May 2015. Collection method: clinical testing. Allele origin: germline.
Comment: Variant summary: CBL c.2235C>T alters a non-conserved nucleotide resulting in a synonymous change. 4/4 computational tools predict no significant impact on normal splicing. However, these predictions have yet to be confirmed by functional studies. The variant allele was found at a frequency of 2.8e-05 in 251124 control chromosomes. The available data on variant occurrences in the general population are insufficient to allow any conclusion about variant significance. To our knowledge, no occurrence of c.2235C>T in individuals affected with Noonan Syndrome And Related Conditions and no experimental evidence demonstrating its impact on protein function have been reported. One clinical diagnostic laboratory has submitted clinical-significance assessments for this variant to ClinVar after 2014 and classified the variant as likely benign. Based on the evidence outlined above, the variant was classified as likely benign.

NM_005188.4(CBL):c.2235C>T (p.Thr745=)

Gene: CBL (Cbl proto-oncogene; plus strand). Cytogenetic location: 11q23.3.
Variant type: single nucleotide variant.
Coding change: c.2235C>T on transcript NM_005188.4 (MANE Select); coding-DNA position 2235, C replaced by T.
Protein change: p.Thr745=; no amino-acid change (threonine 745 retained).
Molecular consequence: synonymous variant.
Genome position (GRCh38, 1-based): chr11:119,297,465, C>T. VCF-style: chr11-119297465-C-T. GRCh37 (hg19) VCF-style: chr11-119168175-C-T.
Identifiers: ClinVar variation 1123879 (VCV001123879.13), dbSNP rs763880494, ClinGen allele CA6318716.